The following is an entry in ClinVar:

ClinVar aggregate classification (germline): Uncertain significance (1 of 4 stars; one submission).

Conditions:
Majeed syndrome (MJDS). Also called: CHRONIC RECURRENT MULTIFOCAL OSTEOMYELITIS 1, WITH CONGENITAL DYSERYTHROPOIETIC ANEMIA, WITH OR WITHOUT NEUTROPHILIC DERMATOSIS; LPIN2-Related Majeed Syndrome. Identifiers: Orphanet 77297, MedGen C1864997, MONDO:0012316, OMIM 609628.

Allele frequency attached by ClinVar (database versions not stated): gnomAD exomes 0.00001.
gnomAD v4.1: 5 of 1,613,912 alleles (0.00031%); highest among the groups gnomAD compares: South Asian, 0.0022%; no homozygotes.

Submission:

Labcorp Genetics (formerly Invitae), Labcorp
Classification: Uncertain significance for Majeed syndrome. Last evaluated: 2023-08-17. Review status: criteria provided, single submitter. Criteria: Invitae Variant Classification Sherloc (09022015). Collection method: clinical testing. Allele origin: germline.
Comment: In summary, the available evidence is currently insufficient to determine the role of this variant in disease. Therefore, it has been classified as a Variant of Uncertain Significance. Advanced modeling of protein sequence and biophysical properties (such as structural, functional, and spatial information, amino acid conservation, physicochemical variation, residue mobility, and thermodynamic stability) performed at Invitae indicates that this missense variant is expected to disrupt LPIN2 protein function. ClinVar contains an entry for this variant (Variation ID: 1513980). This variant has not been reported in the literature in individuals affected with LPIN2-related conditions. This variant is present in population databases (no rsID available, gnomAD 0.006%). This sequence change replaces arginine, which is basic and polar, with histidine, which is basic and polar, at codon 745 of the LPIN2 protein (p.Arg745His).

NM_001375808.2(LPIN2):c.2234G>A (p.Arg745His)

Gene: LPIN2 (lipin 2; minus strand). Cytogenetic location: 18p11.31.
Variant type: single nucleotide variant.
Coding change: c.2234G>A on transcript NM_001375808.2 (MANE Select); coding-DNA position 2234, G replaced by A.
Protein change: p.Arg745His; replaces arginine 745 with histidine.
Molecular consequence: missense variant.
Genome position (GRCh38, 1-based): chr18:2,922,140, C>T on the plus strand (G>A on the coding strand, the complement: LPIN2 is on the minus strand). VCF-style: chr18-2922140-C-T. GRCh37 (hg19) VCF-style: chr18-2922138-C-T.
Other names: c.2234G>A, p.Arg745His (NM_001375809.1, NM_014646.2); short protein forms R745H.
Identifiers: ClinVar variation 1513980 (VCV001513980.6), dbSNP rs1222370431, ClinGen allele CA401697309.